The following is an entry in ClinVar:

ClinVar aggregate classification (germline): Benign. Review status: criteria provided, multiple submitters, no conflicts (2 of 4 stars). 4 submissions from 4 submitters: Benign (4). Last evaluated 2023-11-12.

Conditions:
Majeed syndrome (MJDS). Also called: CHRONIC RECURRENT MULTIFOCAL OSTEOMYELITIS 1, WITH CONGENITAL DYSERYTHROPOIETIC ANEMIA, WITH OR WITHOUT NEUTROPHILIC DERMATOSIS; LPIN2-Related Majeed Syndrome. Identifiers: Orphanet 77297, MedGen C1864997, MONDO:0012316, OMIM 609628.

Allele frequency attached by ClinVar (database versions not stated): ESP Exome Variant Server 0.29009; gnomAD 0.31167 and 0.31878; TOPMed 0.32433; 1000 Genomes Project 30x 0.40881; 1000 Genomes Project 0.41354.
gnomAD v4.1: 444,121 of 1,502,338 alleles (30%); highest among the groups gnomAD compares: East Asian, 59%; 69,997 homozygotes.

Submissions (4):

Unidad de Genómica Garrahan, Hospital de Pediatría Garrahan
Classification: Benign. Last evaluated: 2023-11-12. Review status: criteria provided, single submitter. Criteria: ACMG Guidelines, 2015. Collection method: clinical testing. Allele origin: germline. Affected: no. Observed: 48 variant alleles.
Comment: This variant is classified as Benign based on local population frequency. This variant was detected in 50% of patients studied by a panel of primary immunodeficiencies. Number of patients: 48. Only high quality variants are reported.

ARUP Laboratories, Molecular Genetics and Genomics, ARUP Laboratories
Classification: Benign for Majeed syndrome. Last evaluated: 2018-07-03. Review status: criteria provided, single submitter. Criteria: ARUP Molecular Germline Variant Investigation Process. Collection method: clinical testing. Allele origin: germline.

GeneDx
Classification: Benign. Last evaluated: 2015-03-03. Review status: criteria provided, single submitter. Criteria: GeneDx Variant Classification Process June 2021. Collection method: clinical testing. Allele origin: germline. Affected: yes.

Breakthrough Genomics
Classification: Benign. Review status: criteria provided, single submitter. Criteria: ACMG Guidelines, 2015. Collection method: not provided. Allele origin: germline. Inheritance: Unknown mechanism. Affected: yes.

NM_001375808.2(LPIN2):c.1168+44T>C

Gene: LPIN2 (lipin 2; minus strand). Cytogenetic location: 18p11.31.
Variant type: single nucleotide variant.
Coding change: c.1168+44T>C on transcript NM_001375808.2 (MANE Select); 44 bases into the intron after coding-DNA position 1168, T replaced by C.
Molecular consequence: intron variant.
Genome position (GRCh38, 1-based): chr18:2,937,648, A>G on the plus strand (T>C on the coding strand, the complement: LPIN2 is on the minus strand). VCF-style: chr18-2937648-A-G. GRCh37 (hg19) VCF-style: chr18-2937646-A-G.
Other names: c.1168+44T>C (NM_014646.2, NM_001375809.1).
Identifiers: ClinVar variation 439863 (VCV000439863.15), dbSNP rs3826637, ClinGen allele CA8873181.